The following is an entry in ClinVar:

NM_016507.4(CDK12):c.74C>T (p.Ser25Leu)

Genes: CDK12 (cyclin dependent kinase 12; plus strand), LOC126862553 (CDK7 strongly-dependent group 2 enhancer GRCh37_chr17:37618166-37619365; plus strand). Cytogenetic location: 17q12.
Variant type: single nucleotide variant.
Coding change: c.74C>T on transcript NM_016507.4 (MANE Select); coding-DNA position 74, C replaced by T.
Protein change: p.Ser25Leu; replaces serine 25 with leucine.
Molecular consequence: missense variant.
Genome position (GRCh38, 1-based): chr17:39,462,145, C>T. VCF-style: chr17-39462145-C-T. GRCh37 (hg19) VCF-style: chr17-37618398-C-T.
Other names: c.74C>T, p.Ser25Leu (NM_015083.4); short protein forms S25L.
Identifiers: ClinVar variation 3489337 (VCV003489337.1).

ClinVar aggregate classification (germline): Uncertain significance (1 of 4 stars; one submission).

gnomAD v4.1: 12 of 1,614,168 alleles (0.00074%); highest among the groups gnomAD compares: Non-Finnish European, 0.001%; no homozygotes.

Submission:

Ambry Genetics
Classification: Uncertain significance. Last evaluated: 2024-12-02. Review status: criteria provided, single submitter. Criteria: Ambry Variant Classification Scheme 2023. Collection method: clinical testing. Allele origin: germline.
Comment: The p.S25L variant (also known as c.74C>T), located in coding exon 1 of the CDK12 gene, results from a C to T substitution at nucleotide position 74. The serine at codon 25 is replaced by leucine, an amino acid with dissimilar properties. This amino acid position is conserved. In addition, this alteration is predicted to be tolerated by in silico analysis. Based on the available evidence, the clinical significance of this variant remains unclear.